The following is an entry in ClinVar:

ClinVar aggregate classification (germline): Likely benign. Review status: criteria provided, multiple submitters, no conflicts (2 of 4 stars). 3 submissions from 3 submitters: Likely benign (2). 1 of the submissions does not count toward it. Last evaluated 2026-01-28.

Conditions:
SNIP1-related disorder. Also called: SNIP1-related condition.

Allele frequency attached by ClinVar (database versions not stated): gnomAD exomes 0.00020 and 0.00044; ExAC 0.00051; gnomAD 0.00149 and 0.00159; TOPMed 0.00170; ESP Exome Variant Server 0.00192; 1000 Genomes Project 30x 0.00219; 1000 Genomes Project 0.00240.
gnomAD v4.1: 531 of 1,602,228 alleles (0.033%); highest among the groups gnomAD compares: African/African-American, 0.62%; 2 homozygotes.

Submissions (3):

Labcorp Genetics (formerly Invitae), Labcorp
Classification: Likely benign. Last evaluated: 2026-01-28. Review status: criteria provided, single submitter. Criteria: Invitae Variant Classification Sherloc (09022015). Collection method: clinical testing. Allele origin: germline.

CeGaT Center for Human Genetics Tuebingen
Classification: Likely benign. Last evaluated: 2025-04-01. Review status: criteria provided, single submitter. Criteria: CeGaT Center For Human Genetics Tuebingen Variant Classification Criteria Version 2. Collection method: clinical testing. Allele origin: germline. Affected: yes. Observed: 1 variant allele.
Comment: SNIP1: BP4

PreventionGenetics, part of Exact Sciences
Classification: Likely benign for SNIP1-related condition. Last evaluated: 2019-10-02. Review status: no assertion criteria provided. Collection method: clinical testing. Allele origin: germline. Not counted in ClinVar's aggregate classification.
Comment: This variant is classified as likely benign based on ACMG/AMP sequence variant interpretation guidelines (Richards et al. 2015 PMID: 25741868, with internal and published modifications).

NM_024700.4(SNIP1):c.347G>A (p.Arg116Gln)

Genes: SNIP1 (Smad nuclear interacting protein 1; minus strand), LOC126805704 (BRD4-independent group 4 enhancer GRCh37_chr1:38005292-38006491; plus strand). Cytogenetic location: 1p34.3.
Variant type: single nucleotide variant.
Coding change: c.347G>A on transcript NM_024700.4 (MANE Select); coding-DNA position 347, G replaced by A.
Protein change: p.Arg116Gln; replaces arginine 116 with glutamine.
Molecular consequence: missense variant.
Genome position (GRCh38, 1-based): chr1:37,540,736, C>T on the plus strand (G>A on the coding strand, the complement: SNIP1 is on the minus strand). VCF-style: chr1-37540736-C-T. GRCh37 (hg19) VCF-style: chr1-38006337-C-T.
Other names: short protein forms R116Q.
Identifiers: ClinVar variation 767581 (VCV000767581.18), dbSNP rs80144754, ClinGen allele CA771351.